The following is an entry in ClinVar:

ClinVar aggregate classification (germline): Uncertain significance (1 of 4 stars; one submission).

Submission:

Labcorp Genetics (formerly Invitae), Labcorp
Classification: Uncertain significance. Last evaluated: 2025-10-01. Review status: criteria provided, single submitter. Criteria: Invitae Variant Classification Sherloc (09022015). Collection method: clinical testing. Allele origin: germline.
Comment: This variant, c.177_182dup, results in the insertion of 2 amino acid(s) of the HOXD13 protein (p.Ala70_Ala71dup), but otherwise preserves the integrity of the reading frame. The frequency data for this variant in the population databases is considered unreliable, as metrics indicate poor data quality at this position in the gnomAD database. This variant has been observed in individual(s) with synpolydactyly (PMID: 37427568). Experimental studies and prediction algorithms are not available or were not evaluated, and the functional significance of this variant is currently unknown. In summary, the available evidence is currently insufficient to determine the role of this variant in disease. Therefore, it has been classified as a Variant of Uncertain Significance.

Literature cited by the submitters: PubMed 37427568.

NM_000523.4(HOXD13):c.168GGC[7] (p.Ala71_Ser72insAlaAla)

Gene: HOXD13 (homeobox D13; plus strand). Cytogenetic location: 2q31.1.
Variant type: Microsatellite.
Coding change: c.168GGC[7] on transcript NM_000523.4 (MANE Select); seven copies in a row of the 3-base unit GGC starting at c.168; the reference has five copies in a row; two copies, 6 bases duplicated.
Protein change: p.Ala71_Ser72insAlaAla.
Molecular consequence: inframe insertion.
Genome position (GRCh38, 1-based): chr2:176,093,067-176,093,072, GGCGGC duplicated; duplicating any 6 consecutive bases within chr2:176,093,058-176,093,072 gives the same sequence; the position shown is the placement nearest the transcript's 3' end. VCF-style (leftmost placement, unchanged base first): chr2-176093057-G-GGGCGGC. GRCh37 (hg19) VCF-style: chr2-176957785-G-GGGCGGC.
Identifiers: ClinVar variation 4698130 (VCV004698130.1).